The following is an entry in ClinVar:

NM_006766.5(KAT6A):c.3801G>C (p.Glu1267Asp)

Gene: KAT6A (lysine acetyltransferase 6A; minus strand). Cytogenetic location: 8p11.21.
Variant type: single nucleotide variant.
Coding change: c.3801G>C on transcript NM_006766.5 (MANE Select); coding-DNA position 3801, G replaced by C.
Protein change: p.Glu1267Asp; replaces glutamic acid 1267 with aspartic acid.
Molecular consequence: missense variant.
Genome position (GRCh38, 1-based): chr8:41,934,419, C>G on the plus strand (G>C on the coding strand, the complement: KAT6A is on the minus strand). VCF-style: chr8-41934419-C-G. GRCh37 (hg19) VCF-style: chr8-41791937-C-G.
Other names: short protein forms E1267D.
Identifiers: ClinVar variation 2182270 (VCV002182270.9), dbSNP rs555349616, ClinGen allele CA4729606.

ClinVar aggregate classification (germline): Conflicting classifications of pathogenicity. Review status: criteria provided, conflicting classifications (1 of 4 stars). 2 submissions from 2 submitters: Uncertain significance (1); Likely benign (1). Last evaluated 2025-12-01.

Allele frequency attached by ClinVar (database versions not stated): TOPMed below 0.00001; gnomAD exomes 0.00002.
gnomAD v4.1: 28 of 1,611,616 alleles (0.0017%); highest among the groups gnomAD compares: Non-Finnish European, 0.0023%; no homozygotes.

Submissions (2):

CeGaT Center for Human Genetics Tuebingen
Classification: Likely benign. Last evaluated: 2025-12-01. Review status: criteria provided, single submitter. Criteria: CeGaT Center For Human Genetics Tuebingen Variant Classification Criteria Version 2. Collection method: clinical testing. Allele origin: germline. Affected: yes. Observed: 1 variant allele.
Comment: KAT6A: BP4

Labcorp Genetics (formerly Invitae), Labcorp
Classification: Uncertain significance. Last evaluated: 2022-03-12. Review status: criteria provided, single submitter. Criteria: Invitae Variant Classification Sherloc (09022015). Collection method: clinical testing. Allele origin: germline.
Comment: In summary, the available evidence is currently insufficient to determine the role of this variant in disease. Therefore, it has been classified as a Variant of Uncertain Significance. Algorithms developed to predict the effect of missense changes on protein structure and function are either unavailable or do not agree on the potential impact of this missense change (SIFT: "Tolerated"; PolyPhen-2: "Not Available"; Align-GVGD: "Class C0"). This variant has not been reported in the literature in individuals affected with KAT6A-related conditions. This variant is present in population databases (rs555349616, gnomAD 0.001%). This sequence change replaces glutamic acid, which is acidic and polar, with aspartic acid, which is acidic and polar, at codon 1267 of the KAT6A protein (p.Glu1267Asp).